The following is an entry in ClinVar:

ClinVar aggregate classification (germline): Uncertain significance (1 of 4 stars; one submission).

Conditions:
CNTN6-related disorder. Also called: CNTN6-related condition.

Allele frequency attached by ClinVar (database versions not stated): ExAC 0.00002; gnomAD 0.00003; TOPMed 0.00004; ESP Exome Variant Server 0.00023.
gnomAD v4.1: 11 of 1,613,976 alleles (0.00068%); highest among the groups gnomAD compares: African/African-American, 0.013%; no homozygotes.

Submission:

PreventionGenetics, part of Exact Sciences
Classification: Uncertain significance for CNTN6-related condition. Last evaluated: 2023-06-29. Review status: criteria provided, single submitter. Criteria: ACMG Guidelines, 2015. Collection method: clinical testing. Allele origin: germline.
Comment: The CNTN6 c.560A>G variant is predicted to result in the amino acid substitution p.Glu187Gly. To our knowledge, this variant has not been reported in the literature. This variant is reported in 0.019% of alleles in individuals of African descent in gnomAD. At this time, the clinical significance of this variant is uncertain due to the absence of conclusive functional and genetic evidence.

NM_001289080.2(CNTN6):c.560A>G (p.Glu187Gly)

Gene: CNTN6 (contactin 6; plus strand). Cytogenetic location: 3p26.3.
Variant type: single nucleotide variant.
Coding change: c.560A>G on transcript NM_001289080.2 (MANE Select); coding-DNA position 560, A replaced by G.
Protein change: p.Glu187Gly; replaces glutamic acid 187 with glycine.
Molecular consequence: missense variant. On other transcripts: 5 prime UTR variant (3), intron variant (2).
Genome position (GRCh38, 1-based): chr3:1,295,706, A>G. VCF-style: chr3-1295706-A-G. GRCh37 (hg19) VCF-style: chr3-1337390-A-G.
Other names: c.344A>G, p.Glu115Gly (NM_001289081.2); c.560A>G, p.Glu187Gly (NM_001349350.2, NM_001349351.2, NM_001349352.2 and 6 more transcripts); c.-378A>G (NM_001349359.2); c.-558A>G (NM_001349361.2); c.-460A>G (NM_001349362.2); c.-362+17198A>G (NM_001349360.2); c.454+17198A>G (NM_001349357.2); short protein forms E115G, E187G.
Identifiers: ClinVar variation 2629105 (VCV002629105.1), dbSNP rs147701168, ClinGen allele CA2225821.